The following is an entry in ClinVar:

ClinVar aggregate classification (germline): Conflicting classifications of pathogenicity. Review status: criteria provided, conflicting classifications (1 of 4 stars). 5 submissions from 5 submitters: Uncertain significance (4); Likely benign (1). Last evaluated 2025-03-25.

Conditions:
Hereditary cancer-predisposing syndrome. Also called: Neoplastic Syndromes, Hereditary; Tumor predisposition; Hereditary Cancer Syndrome; Hereditary neoplastic syndrome. Identifiers: Orphanet 140162, MedGen C0027672, MeSH D009386, MONDO:0015356.
Hereditary breast ovarian cancer syndrome. Also called: BRCA1- and BRCA2-Associated Hereditary Breast and Ovarian Cancer; Hereditary breast and ovarian cancer syndrome; Hereditary breast and ovarian cancer; Hereditary breast and ovarian cancer syndrome (HBOC); Breast and ovarian cancer; Hereditary breast and/or ovarian cancer syndrome. Identifiers: Orphanet 145, MedGen C0677776, MeSH D061325, MONDO:0003582. Disease mechanism: loss of function.

Submissions (5):

Labcorp Genetics (formerly Invitae), Labcorp
Classification: Uncertain significance for Hereditary breast ovarian cancer syndrome. Last evaluated: 2025-03-25. Review status: criteria provided, single submitter. Criteria: Invitae Variant Classification Sherloc (09022015). Collection method: clinical testing. Allele origin: germline.
Comment: This sequence change replaces serine, which is neutral and polar, with cysteine, which is neutral and slightly polar, at codon 755 of the BRCA2 protein (p.Ser755Cys). This variant is not present in population databases (gnomAD no frequency). This missense change has been observed in individual(s) with breast cancer (PMID: 32658311). ClinVar contains an entry for this variant (Variation ID: 231265). Invitae Evidence Modeling of protein sequence and biophysical properties (such as structural, functional, and spatial information, amino acid conservation, physicochemical variation, residue mobility, and thermodynamic stability) indicates that this missense variant is not expected to disrupt BRCA2 protein function with a negative predictive value of 95%. In summary, the available evidence is currently insufficient to determine the role of this variant in disease. Therefore, it has been classified as a Variant of Uncertain Significance.

Quest Diagnostics Nichols Institute San Juan Capistrano
Classification: Uncertain significance. Last evaluated: 2024-10-21. Review status: criteria provided, single submitter. Criteria: Quest Diagnostics criteria. Collection method: clinical testing. Allele origin: unknown.
Comment: The BRCA2 c.2264C>G (p.Ser755Cys) variant has been reported in the published literature in individuals with breast cancer (PMID: 3265311 (2021)), and described to be located in a region of the BRCA2 gene that is tolerant to missense sequence changes (PMID: 31911673 (2020)). This variant has not been reported in large, multi-ethnic general populations (Genome Aggregation Database). Analysis of this variant using bioinformatics tools for the prediction of the effect of amino acid changes on protein structure and function yielded conflicting predictions that this variant is benign or damaging. Based on the available information, we are unable to determine the clinical significance of this variant.

Color Diagnostics, LLC DBA Color Health
Classification: Uncertain significance for Hereditary cancer-predisposing syndrome. Last evaluated: 2024-10-07. Review status: criteria provided, single submitter. Criteria: ACMG Guidelines, 2015. Collection method: clinical testing. Allele origin: germline.
Comment: This missense variant replaces serine with cysteine at codon 755 of the BRCA2 protein. Computational prediction suggests that this variant may not impact protein structure and function. A functional study has reported that that variant partially impacts BRCA2 function in the rescue of PARP inhibitor and carboplatin-sensitivity in Brac2-deficient human cell lines (PMID: 32444794). A multifactorial analysis has reported a likelihood ratio for pathogenicity based on personal and family history of 1.174 from log(LR)=0.069609746 for three carriers (PMID: 31853058), and this variant has been reported in two individuals affected with breast cancer (PMID: 32658311). This variant has not been identified in the general population by the Genome Aggregation Database (gnomAD). The available evidence is insufficient to determine the role of this variant in disease conclusively. Therefore, this variant is classified as a Variant of Uncertain Significance.

Ambry Genetics
Classification: Uncertain significance for Hereditary cancer-predisposing syndrome. Last evaluated: 2024-01-30. Review status: criteria provided, single submitter. Criteria: Ambry Variant Classification Scheme 2023. Collection method: clinical testing. Allele origin: germline.
Comment: The p.S755C variant (also known as c.2264C>G), located in coding exon 10 of the BRCA2 gene, results from a C to G substitution at nucleotide position 2264. The serine at codon 755 is replaced by cysteine, an amino acid with dissimilar properties. This alteration was seen in 2/732 breast cancer patients, 0/189 colorectal cancer patients and 0/490 cancer-free elderly controls in a Turkish population (Akcay IM et al. Int J Cancer, 2021 Jan;148:285-295). This amino acid position is not well conserved in available vertebrate species. In addition, the in silico prediction for this alteration is inconclusive. Based on the available evidence, the clinical significance of this alteration remains unclear.

University of Washington Department of Laboratory Medicine, University of Washington
Classification: Likely benign for Hereditary cancer-predisposing syndrome. Last evaluated: 2023-03-23. Review status: criteria provided, single submitter. Criteria: Dines et al. (Genet Med. 2020). Collection method: curation. Allele origin: germline.
Comment: Missense variant in a coldspot region where missense variants are very unlikely to be pathogenic (PMID:31911673).

BRCA2 exon 11 coldspot. Reclassification based on statistical prior probability.

Literature cited by the submitters: PubMed 32658311 (cited by 4 submitters); PubMed 31911673 (cited by Quest Diagnostics Nichols Institute San Juan Capistrano); PubMed 31853058 (cited by Color Diagnostics, LLC DBA Color Health); PubMed 32444794 (cited by Color Diagnostics, LLC DBA Color Health).

NM_000059.4(BRCA2):c.2264C>G (p.Ser755Cys)

Gene: BRCA2 (BRCA2 DNA repair associated; plus strand). Cytogenetic location: 13q13.1.
Variant type: single nucleotide variant.
Coding change: c.2264C>G on transcript NM_000059.4 (MANE Select); coding-DNA position 2264, C replaced by G.
Protein change: p.Ser755Cys; replaces serine 755 with cysteine.
Molecular consequence: missense variant.
Genome position (GRCh38, 1-based): chr13:32,336,619, C>G. VCF-style: chr13-32336619-C-G. GRCh37 (hg19) VCF-style: chr13-32910756-C-G.
Other names: short protein forms S755C.
Identifiers: ClinVar variation 231265 (VCV000231265.19), dbSNP rs876659060, ClinGen allele CA10579532.